The following is an entry in ClinVar:

NM_001243226.3(TCF4):c.287-1249A>T

Gene: TCF4 (transcription factor 4; minus strand). Cytogenetic location: 18q21.2.
Variant type: single nucleotide variant.
Coding change: c.287-1249A>T on transcript NM_001243226.3; 1249 bases into the intron before coding-DNA position 287, A replaced by T.
Molecular consequence: intron variant.
Genome position (GRCh38, 1-based): chr18:55,588,385, T>A on the plus strand (A>T on the coding strand, the complement: TCF4 is on the minus strand). VCF-style: chr18-55588385-T-A. GRCh37 (hg19) VCF-style: chr18-53255616-T-A.
Other names: c.-1+912A>T (NM_001369584.1, NM_001369576.1, NM_001369577.1 and 3 more transcripts); c.-21+912A>T (NM_001369571.1, NM_001369567.1, NM_001243228.2); c.66+85A>T (NM_001243230.2); c.-21+85A>T (NM_001369569.1, NM_001369572.1, NM_001369568.1).
Identifiers: ClinVar variation 4845555 (VCV004845555.1).

ClinVar aggregate classification (germline): Uncertain significance (1 of 4 stars; one submission).

Submission:

Greenwood Genetic Center Diagnostic Laboratories, Greenwood Genetic Center
Classification: Uncertain significance. Last evaluated: 2025-12-26. Review status: criteria provided, single submitter. Criteria: ACMG Guidelines, 2015. Collection method: clinical testing. Allele origin: germline. Affected: yes.
Comment: PM2, BP4